The following is an entry in ClinVar:

ClinVar aggregate classification (germline): Uncertain significance. Review status: criteria provided, multiple submitters, no conflicts (2 of 4 stars). 2 submissions from 2 submitters: Uncertain significance (2). Last evaluated 2026-04-27.

Conditions:
Cardiovascular phenotype. Identifiers: MedGen CN230736.
Distal myopathy with posterior leg and anterior hand involvement. Also called: WILLIAMS DISTAL MYOPATHY. Identifiers: Orphanet 63273, MedGen C3279722, MONDO:0013550, OMIM 614065.
Hypertrophic cardiomyopathy 26. Also called: Cardiomyopathy, familial hypertrophic, 26. Identifiers: Orphanet 75249, MedGen C4310749, MONDO:0014883, OMIM 617047.
Myofibrillar myopathy 5. Also called: Filaminopathy (type); FILAMINOPATHY, AUTOSOMAL DOMINANT. Identifiers: Orphanet 171445, MedGen C1836050, MONDO:0012289, OMIM 609524.

gnomAD v4.1: 7 of 1,613,488 alleles (0.00043%); highest among the groups gnomAD compares: South Asian, 0.0011%; no homozygotes.

Submissions (2):

Ambry Genetics
Classification: Uncertain significance for Cardiovascular phenotype. Last evaluated: 2026-04-27. Review status: criteria provided, single submitter. Criteria: Ambry Variant Classification Scheme 2023. Collection method: clinical testing. Allele origin: germline.

Labcorp Genetics (formerly Invitae), Labcorp
Classification: Uncertain significance for Distal myopathy with posterior leg and anterior hand involvement; Myofibrillar myopathy 5; Hypertrophic cardiomyopathy 26. Last evaluated: 2025-10-29. Review status: criteria provided, single submitter. Criteria: Invitae Variant Classification Sherloc (09022015). Collection method: clinical testing. Allele origin: germline.
Comment: This sequence change replaces alanine, which is neutral and non-polar, with serine, which is neutral and polar, at codon 345 of the FLNC protein (p.Ala345Ser). The frequency data for this variant in the population databases is considered unreliable, as metrics indicate poor data quality at this position in the gnomAD database. This variant has not been reported in the literature in individuals affected with FLNC-related conditions. Invitae Evidence Modeling of protein sequence and biophysical properties (such as structural, functional, and spatial information, amino acid conservation, physicochemical variation, residue mobility, and thermodynamic stability) has been performed for this missense variant. However, the output from this modeling did not meet the statistical confidence thresholds required to predict the impact of this variant on FLNC protein function. In summary, the available evidence is currently insufficient to determine the role of this variant in disease. Therefore, it has been classified as a Variant of Uncertain Significance.

NM_001458.5(FLNC):c.1033G>T (p.Ala345Ser)

Gene: FLNC (filamin C; plus strand). Cytogenetic location: 7q32.1.
Variant type: single nucleotide variant.
Coding change: c.1033G>T on transcript NM_001458.5 (MANE Select); coding-DNA position 1033, G replaced by T.
Protein change: p.Ala345Ser; replaces alanine 345 with serine.
Molecular consequence: missense variant.
Genome position (GRCh38, 1-based): chr7:128,838,050, G>T. VCF-style: chr7-128838050-G-T. GRCh37 (hg19) VCF-style: chr7-128478104-G-T.
Other names: c.1033G>T, p.Ala345Ser (NM_001127487.2); short protein forms A345S.
Identifiers: ClinVar variation 4812383 (VCV004812383.2).